The following is an entry in ClinVar:

NM_020778.5(ALPK3):c.2809G>A (p.Ala937Thr)

Gene: ALPK3 (alpha kinase 3; plus strand). Cytogenetic location: 15q25.3.
Variant type: single nucleotide variant.
Coding change: c.2809G>A on transcript NM_020778.5 (MANE Select); coding-DNA position 2809, G replaced by A.
Protein change: p.Ala937Thr; replaces alanine 937 with threonine.
Molecular consequence: missense variant.
Genome position (GRCh38, 1-based): chr15:84,857,547, G>A. VCF-style: chr15-84857547-G-A. GRCh37 (hg19) VCF-style: chr15-85400778-G-A.
Other names: short protein forms A937T.
Identifiers: ClinVar variation 1731204 (VCV001731204.8), dbSNP rs756803744, ClinGen allele CA7709499.

ClinVar aggregate classification (germline): Uncertain significance. Review status: criteria provided, multiple submitters, no conflicts (2 of 4 stars). 3 submissions from 3 submitters: Uncertain significance (3). Last evaluated 2025-12-16.

Conditions:
Cardiovascular phenotype. Identifiers: MedGen CN230736.

Allele frequency attached by ClinVar (database versions not stated): TOPMed 0.00001; gnomAD 0.00002; gnomAD exomes 0.00002; ExAC 0.00006.
gnomAD v4.1: 31 of 1,585,290 alleles (0.002%); highest among the groups gnomAD compares: East Asian, 0.0067%; no homozygotes.

Submissions (3):

Ambry Genetics
Classification: Uncertain significance for Cardiovascular phenotype. Last evaluated: 2025-12-16. Review status: criteria provided, single submitter. Criteria: Ambry Variant Classification Scheme 2023. Collection method: clinical testing. Allele origin: germline.
Comment: The p.A1139T variant (also known as c.3415G>A), located in coding exon 6 of the ALPK3 gene, results from a G to A substitution at nucleotide position 3415. The alanine at codon 1139 is replaced by threonine, an amino acid with similar properties. This amino acid position is conserved. In addition, this alteration is predicted to be tolerated by in silico analysis. Since supporting evidence is limited at this time, the clinical significance of this alteration remains unclear.

Labcorp Genetics (formerly Invitae), Labcorp
Classification: Uncertain significance. Last evaluated: 2025-11-18. Review status: criteria provided, single submitter. Criteria: Invitae Variant Classification Sherloc (09022015). Collection method: clinical testing. Allele origin: germline.
Comment: This sequence change replaces alanine, which is neutral and non-polar, with threonine, which is neutral and polar, at codon 1139 of the ALPK3 protein (p.Ala1139Thr). This variant is present in population databases (rs756803744, gnomAD 0.009%). This variant has not been reported in the literature in individuals affected with ALPK3-related conditions. ClinVar contains an entry for this variant (Variation ID: 1731204). Invitae Evidence Modeling of protein sequence and biophysical properties (such as structural, functional, and spatial information, amino acid conservation, physicochemical variation, residue mobility, and thermodynamic stability) indicates that this missense variant is not expected to disrupt ALPK3 protein function with a negative predictive value of 80%. In summary, the available evidence is currently insufficient to determine the role of this variant in disease. Therefore, it has been classified as a Variant of Uncertain Significance.

GeneDx
Classification: Uncertain significance. Last evaluated: 2023-12-28. Review status: criteria provided, single submitter. Criteria: GeneDx Variant Classification Process June 2021. Collection method: clinical testing. Allele origin: germline. Affected: yes.
Comment: Has not been previously published as pathogenic or benign to our knowledge; In silico analysis supports that this missense variant does not alter protein structure/function